The following is an entry in ClinVar:

ClinVar aggregate classification (germline): Uncertain significance (0 of 4 stars; one submission).

Conditions:
ITSN1-related disorder. Also called: ITSN1-related condition.

Submission:

PreventionGenetics, part of Exact Sciences
Classification: Uncertain significance for ITSN1-related condition. Last evaluated: 2024-04-15. Review status: no assertion criteria provided. Collection method: clinical testing. Allele origin: germline.
Comment: The ITSN1 c.1300_1305+1dup7 variant is predicted to result in an in-frame duplication (p.?). This variant spans the exon-intron junction while the canonical GT splice donor site remains intact, making it difficult to predict the effect of this variant (frameshift versus splicing defects). To our knowledge, this variant has not been reported in the literature or in a large population database, indicating this variant is rare. At this time, the clinical significance of this variant is uncertain due to the absence of conclusive functional and genetic evidence.

NM_003024.3(ITSN1):c.1300_1305+1dup

Gene: ITSN1 (intersectin 1; plus strand). Cytogenetic location: 21q22.11.
Variant type: Duplication.
Coding change: c.1300_1305+1dup on transcript NM_003024.3 (MANE Select); coding-DNA position 1300 through the canonical splice donor site of the intron after coding-DNA position 1305, 7 bases duplicated (CGAGAGG; older notation c.1300_1305+1dupCGAGAGG).
Molecular consequence: splice donor variant.
Genome position (GRCh38, 1-based): chr21:33,772,318-33,772,324, CGAGAGG duplicated; duplicating any 7 consecutive bases within chr21:33,772,312-33,772,324 gives the same sequence; the c. name uses the placement nearest the transcript's 3' end. VCF-style (leftmost placement, unchanged base first): chr21-33772311-T-TGAGAGGC. GRCh37 (hg19) VCF-style: chr21-35144615-T-TGAGAGGC.
Other names: c.1300_1305+1dup (NM_001331010.2, NM_001001132.2, NM_001331008.2 and 2 more transcripts); c.1189_1194+1dup (NM_001331012.2).
Identifiers: ClinVar variation 3348740 (VCV003348740.1).
Genomic context (GRCh38, chr21:33,772,311, plus strand): 5'-GCAACTGGAAAAGCAGCGGGAGCTAGAACGGCAGAGAGAGGAGGAGAGGAGGAAAGAAAT[T>TGAGAGGC]GAGAGGCGAGAGGTAAGCAGGCGAGAGTGGAGCCACCCGGAGTTAGTGTGCGATCACCCC-3'